The following is an entry in ClinVar:

NM_144701.3(IL23R):c.1437T>A (p.Asp479Glu)

Gene: IL23R (interleukin 23 receptor; plus strand). Cytogenetic location: 1p31.3.
Variant type: single nucleotide variant.
Coding change: c.1437T>A on transcript NM_144701.3 (MANE Select); coding-DNA position 1437, T replaced by A.
Protein change: p.Asp479Glu; replaces aspartic acid 479 with glutamic acid.
Molecular consequence: missense variant.
Genome position (GRCh38, 1-based): chr1:67,258,675, T>A. VCF-style: chr1-67258675-T-A. GRCh37 (hg19) VCF-style: chr1-67724358-T-A.
Other names: short protein forms D479E.
Identifiers: ClinVar variation 2189726 (VCV002189726.4), dbSNP rs369556867, ClinGen allele CA900021.

ClinVar aggregate classification (germline): Uncertain significance (1 of 4 stars; one submission).

Allele frequency attached by ClinVar (database versions not stated): gnomAD 0.00001; ExAC 0.00002; gnomAD exomes 0.00003; TOPMed 0.00003; ESP Exome Variant Server 0.00008.
gnomAD v4.1: 41 of 1,613,790 alleles (0.0025%); highest among the groups gnomAD compares: Non-Finnish European, 0.0034%; no homozygotes.

Submission:

Labcorp Genetics (formerly Invitae), Labcorp
Classification: Uncertain significance. Last evaluated: 2025-06-17. Review status: criteria provided, single submitter. Criteria: Invitae Variant Classification Sherloc (09022015). Collection method: clinical testing. Allele origin: germline.
Comment: This sequence change replaces aspartic acid, which is acidic and polar, with glutamic acid, which is acidic and polar, at codon 479 of the IL23R protein (p.Asp479Glu). This variant is present in population databases (rs369556867, gnomAD 0.002%). This variant has not been reported in the literature in individuals affected with IL23R-related conditions. ClinVar contains an entry for this variant (Variation ID: 2189726). An algorithm developed to predict the effect of missense changes on protein structure and function (PolyPhen-2) suggests that this variant is likely to be disruptive. In summary, the available evidence is currently insufficient to determine the role of this variant in disease. Therefore, it has been classified as a Variant of Uncertain Significance.